The following is an entry in ClinVar:

NM_021813.4(BACH2):c.1371C>G (p.Asp457Glu)

Gene: BACH2 (BACH transcriptional regulator 2; minus strand). Cytogenetic location: 6q15.
Variant type: single nucleotide variant.
Coding change: c.1371C>G on transcript NM_021813.4 (MANE Select); coding-DNA position 1371, C replaced by G.
Protein change: p.Asp457Glu; replaces aspartic acid 457 with glutamic acid.
Molecular consequence: missense variant.
Genome position (GRCh38, 1-based): chr6:89,950,735, G>C on the plus strand (C>G on the coding strand, the complement: BACH2 is on the minus strand). VCF-style: chr6-89950735-G-C. GRCh37 (hg19) VCF-style: chr6-90660454-G-C.
Other names: c.1371C>G, p.Asp457Glu (NM_001170794.2); short protein forms D457E.
Identifiers: ClinVar variation 2912077 (VCV002912077.3), dbSNP rs2533565439, ClinGen allele CA365070978.

ClinVar aggregate classification (germline): Uncertain significance (1 of 4 stars; one submission).

gnomAD v4.1: 1 of 1,614,180 alleles (0.000062%); highest among the groups gnomAD compares: Non-Finnish European, 0.000085%; no homozygotes.

Submission:

Labcorp Genetics (formerly Invitae), Labcorp
Classification: Uncertain significance. Last evaluated: 2025-07-14. Review status: criteria provided, single submitter. Criteria: Invitae Variant Classification Sherloc (09022015). Collection method: clinical testing. Allele origin: germline.
Comment: This sequence change replaces aspartic acid, which is acidic and polar, with glutamic acid, which is acidic and polar, at codon 457 of the BACH2 protein (p.Asp457Glu). This variant is not present in population databases (gnomAD no frequency). This variant has not been reported in the literature in individuals affected with BACH2-related conditions. ClinVar contains an entry for this variant (Variation ID: 2912077). Invitae Evidence Modeling of protein sequence and biophysical properties (such as structural, functional, and spatial information, amino acid conservation, physicochemical variation, residue mobility, and thermodynamic stability) indicates that this missense variant is not expected to disrupt BACH2 protein function with a negative predictive value of 80%. In summary, the available evidence is currently insufficient to determine the role of this variant in disease. Therefore, it has been classified as a Variant of Uncertain Significance.